The following is an entry in ClinVar:

ClinVar aggregate classification (germline): Uncertain significance (1 of 4 stars; one submission).

Allele frequency attached by ClinVar (database versions not stated): gnomAD exomes 0.00013; ExAC 0.00017; 1000 Genomes Project 0.00040; gnomAD 0.00049 and 0.00052; 1000 Genomes Project 30x 0.00062; TOPMed 0.00066; ESP Exome Variant Server 0.00069.

Submission:

Labcorp Genetics (formerly Invitae), Labcorp
Classification: Uncertain significance. Last evaluated: 2026-01-21. Review status: criteria provided, single submitter. Criteria: Invitae Variant Classification Sherloc (09022015). Collection method: clinical testing. Allele origin: germline.
Comment: This sequence change replaces glutamine, which is neutral and polar, with arginine, which is basic and polar, at codon 130 of the NLRP1 protein (p.Gln130Arg). This variant is present in population databases (rs150929926, gnomAD 0.2%). This variant has not been reported in the literature in individuals affected with NLRP1-related conditions. ClinVar contains an entry for this variant (Variation ID: 1416022). An algorithm developed to predict the effect of missense changes on protein structure and function outputs the following: PolyPhen-2: "Benign". The arginine amino acid residue is found in multiple mammalian species, which suggests that this missense change does not adversely affect protein function. In summary, the available evidence is currently insufficient to determine the role of this variant in disease. Therefore, it has been classified as a Variant of Uncertain Significance.

NM_033004.4(NLRP1):c.389A>G (p.Gln130Arg)

Gene: NLRP1 (NLR family pyrin domain containing 1; minus strand). Cytogenetic location: 17p13.2.
Variant type: single nucleotide variant.
Coding change: c.389A>G on transcript NM_033004.4 (MANE Select); coding-DNA position 389, A replaced by G.
Protein change: p.Gln130Arg; replaces glutamine 130 with arginine.
Molecular consequence: missense variant.
Genome position (GRCh38, 1-based): chr17:5,582,729, T>C on the plus strand (A>G on the coding strand, the complement: NLRP1 is on the minus strand). VCF-style: chr17-5582729-T-C. GRCh37 (hg19) VCF-style: chr17-5486049-T-C.
Other names: c.389A>G, p.Gln130Arg (NM_001033053.3, NM_014922.5, NM_033006.4 and 1 more transcripts); short protein forms Q130R.
Identifiers: ClinVar variation 1416022 (VCV001416022.8), dbSNP rs150929926, ClinGen allele CA8327590.